The following is an entry in ClinVar:

NM_006231.4(POLE):c.1571T>A (p.Phe524Tyr)

Gene: POLE (DNA polymerase epsilon, catalytic subunit; minus strand). Cytogenetic location: 12q24.33.
Variant type: single nucleotide variant.
Coding change: c.1571T>A on transcript NM_006231.4 (MANE Select); coding-DNA position 1571, T replaced by A.
Protein change: p.Phe524Tyr; replaces phenylalanine 524 with tyrosine.
Molecular consequence: missense variant.
Genome position (GRCh38, 1-based): chr12:132,672,742, A>T on the plus strand (T>A on the coding strand, the complement: POLE is on the minus strand). VCF-style: chr12-132672742-A-T. GRCh37 (hg19) VCF-style: chr12-133249328-A-T.
Other names: short protein forms F524Y.
Identifiers: ClinVar variation 653760 (VCV000653760.17), dbSNP rs1234183382, ClinGen allele CA387357014.

ClinVar aggregate classification (germline): Uncertain significance. Review status: criteria provided, multiple submitters, no conflicts (2 of 4 stars). 4 submissions from 4 submitters: Uncertain significance (4). Last evaluated 2025-11-10.

Conditions:
Hereditary cancer-predisposing syndrome. Also called: Neoplastic Syndromes, Hereditary; Tumor predisposition; Hereditary Cancer Syndrome; Hereditary neoplastic syndrome. Identifiers: Orphanet 140162, MedGen C0027672, MeSH D009386, MONDO:0015356.

Allele frequency attached by ClinVar (database versions not stated): gnomAD below 0.00001 and 0.00001; gnomAD exomes 0.00002.

Submissions (4):

Labcorp Genetics (formerly Invitae), Labcorp
Classification: Uncertain significance. Last evaluated: 2025-11-10. Review status: criteria provided, single submitter. Criteria: Invitae Variant Classification Sherloc (09022015). Collection method: clinical testing. Allele origin: germline.
Comment: This sequence change replaces phenylalanine, which is neutral and non-polar, with tyrosine, which is neutral and polar, at codon 524 of the POLE protein (p.Phe524Tyr). This variant is present in population databases (no rsID available, gnomAD 0.02%). This variant has not been reported in the literature in individuals affected with POLE-related conditions. ClinVar contains an entry for this variant (Variation ID: 653760). Invitae Evidence Modeling of protein sequence and biophysical properties (such as structural, functional, and spatial information, amino acid conservation, physicochemical variation, residue mobility, and thermodynamic stability) indicates that this missense variant is not expected to disrupt POLE protein function with a negative predictive value of 80%. In summary, the available evidence is currently insufficient to determine the role of this variant in disease. Therefore, it has been classified as a Variant of Uncertain Significance.

Ambry Genetics
Classification: Uncertain significance for Hereditary cancer-predisposing syndrome. Last evaluated: 2025-06-24. Review status: criteria provided, single submitter. Criteria: Ambry Variant Classification Scheme 2023. Collection method: clinical testing. Allele origin: germline.

Center for Genomic Medicine, Rigshospitalet, Copenhagen University Hospital
Classification: Uncertain significance. Last evaluated: 2025-03-04. Review status: criteria provided, single submitter. Criteria: ACMG Guidelines, 2015. Collection method: clinical testing. Allele origin: germline.

GeneDx
Classification: Uncertain significance. Last evaluated: 2023-11-29. Review status: criteria provided, single submitter. Criteria: GeneDx Variant Classification Process June 2021. Collection method: clinical testing. Allele origin: germline. Affected: yes.
Comment: Not observed at significant frequency in large population cohorts (gnomAD); In silico analysis supports that this missense variant does not alter protein structure/function; Has not been previously published as pathogenic or benign to our knowledge